The following is an entry in ClinVar:

ClinVar aggregate classification (germline): Benign. Review status: criteria provided, multiple submitters, no conflicts (2 of 4 stars). 4 submissions from 4 submitters: Benign (3). 1 of the submissions does not count toward it. Last evaluated 2026-02-03.

Conditions:
ACER3-related disorder. Also called: ACER3-related condition.

Allele frequency attached by ClinVar (database versions not stated): 1000 Genomes Project 30x 0.62477; 1000 Genomes Project 0.62959; TOPMed 0.67020; gnomAD exomes 0.67135 and 0.71967; ExAC 0.67850; gnomAD 0.68016 and 0.68325; ESP Exome Variant Server 0.70494.

Submissions (4):

Labcorp Genetics (formerly Invitae), Labcorp
Classification: Benign. Last evaluated: 2026-02-03. Review status: criteria provided, single submitter. Criteria: Invitae Variant Classification Sherloc (09022015). Collection method: clinical testing. Allele origin: germline.

Blueprint Genetics
Classification: Benign. Last evaluated: 2024-11-27. Review status: criteria provided, single submitter. Criteria: ACMG Guidelines, 2015. Collection method: clinical testing. Allele origin: germline.

Breakthrough Genomics
Classification: Benign. Review status: criteria provided, single submitter. Criteria: ACMG Guidelines, 2015. Collection method: not provided. Allele origin: germline. Inheritance: Autosomal recessive inheritance. Affected: yes.

PreventionGenetics, part of Exact Sciences
Classification: Benign for ACER3-related condition. Last evaluated: 2019-10-16. Review status: no assertion criteria provided. Collection method: clinical testing. Allele origin: germline. Not counted in ClinVar's aggregate classification.
Comment: This variant is classified as benign based on ACMG/AMP sequence variant interpretation guidelines (Richards et al. 2015 PMID: 25741868, with internal and published modifications).

NM_018367.7(ACER3):c.154G>A (p.Val52Ile)

Gene: ACER3 (alkaline ceramidase 3; plus strand). Cytogenetic location: 11q13.5.
Variant type: single nucleotide variant.
Coding change: c.154G>A on transcript NM_018367.7 (MANE Select); coding-DNA position 154, G replaced by A.
Protein change: p.Val52Ile; replaces valine 52 with isoleucine.
Molecular consequence: missense variant. On other transcripts: 5 prime UTR variant (2), intron variant (1).
Genome position (GRCh38, 1-based): chr11:76,926,607, G>A. VCF-style: chr11-76926607-G-A. GRCh37 (hg19) VCF-style: chr11-76637651-G-A.
Other names: c.154G>A (NM_018367.6); c.-203G>A (NM_001300954.2); c.-79G>A (NM_001300955.2); c.104-32372G>A (NM_001300953.2); short protein forms V52I.
Identifiers: ClinVar variation 1165287 (VCV001165287.13), dbSNP rs4379869, ClinGen allele CA6195570.